The following is an entry in ClinVar:

NM_005413.4(SIX3):c.111_128dup (p.Gly42_Gly47dup)

Gene: SIX3 (SIX homeobox 3; plus strand). Cytogenetic location: 2p21.
Variant type: Duplication.
Coding change: c.111_128dup on transcript NM_005413.4 (MANE Select); coding-DNA positions 111 to 128, 18 bases duplicated (TGCGGGAGGCGGCGGCGG).
Protein change: p.Gly42_Gly47dup.
Molecular consequence: inframe insertion.
Genome position (GRCh38, 1-based): chr2:44,942,215-44,942,232, TGCGGGAGGCGGCGGCGG duplicated; duplicating any 18 consecutive bases within chr2:44,942,212-44,942,232 gives the same sequence; the c. name uses the placement nearest the transcript's 3' end. VCF-style (leftmost placement, unchanged base first): chr2-44942211-A-ACGGTGCGGGAGGCGGCGG. GRCh37 (hg19) VCF-style: chr2-45169350-A-ACGGTGCGGGAGGCGGCGG.
Other names: c.111_128dup (NM_005413.3); c.111_128dupTGCGGGAGGCGGCGGCGG (NM_005413.3).
Identifiers: ClinVar variation 1378258 (VCV001378258.10), dbSNP rs768858586, ClinGen allele CA1642260.

ClinVar aggregate classification (germline): Conflicting classifications of pathogenicity. Review status: criteria provided, conflicting classifications (1 of 4 stars). 3 submissions from 3 submitters: Uncertain significance (2); Likely benign (1). Last evaluated 2024-10-07.

Conditions:
Inborn genetic diseases. Identifiers: MedGen C0950123, MeSH D030342.
Holoprosencephaly 2 (HPE2). Identifiers: Orphanet 2162, MedGen C1834877, MONDO:0007999, OMIM 157170.

Submissions (3):

Labcorp Genetics (formerly Invitae), Labcorp
Classification: Uncertain significance for Holoprosencephaly 2. Last evaluated: 2024-10-07. Review status: criteria provided, single submitter. Criteria: Invitae Variant Classification Sherloc (09022015). Collection method: clinical testing. Allele origin: germline.
Comment: This variant, c.111_128dup, results in the insertion of 6 amino acid(s) of the SIX3 protein (p.Gly42_Gly47dup), but otherwise preserves the integrity of the reading frame. This variant is present in population databases (rs768858586, gnomAD 0.01%). This variant has not been reported in the literature in individuals affected with SIX3-related conditions. ClinVar contains an entry for this variant (Variation ID: 1378258). Experimental studies and prediction algorithms are not available or were not evaluated, and the functional significance of this variant is currently unknown. In summary, the available evidence is currently insufficient to determine the role of this variant in disease. Therefore, it has been classified as a Variant of Uncertain Significance.

GeneDx
Classification: Uncertain significance. Last evaluated: 2024-07-01. Review status: criteria provided, single submitter. Criteria: GeneDx Variant Classification Process June 2021. Collection method: clinical testing. Allele origin: germline. Affected: yes.
Comment: In-frame duplication of 6 amino acids in a repetitive region with no known function; Has not been previously published as pathogenic or benign to our knowledge

Ambry Genetics
Classification: Likely benign for Inborn genetic diseases. Last evaluated: 2021-07-27. Review status: criteria provided, single submitter. Criteria: Ambry Variant Classification Scheme 2023. Collection method: clinical testing. Allele origin: germline.